The following is an entry in ClinVar:

ClinVar aggregate classification (germline): Likely pathogenic (1 of 4 stars; one submission).

Conditions:
Rare genetic deafness. Identifiers: Orphanet 96210, MedGen C5680250.

Submission:

Laboratory for Molecular Medicine, Mass General Brigham Personalized Medicine
Classification: Likely pathogenic for Rare genetic deafness. Last evaluated: 2022-06-23. Review status: criteria provided, single submitter. Criteria: ACMG Guidelines, 2015. Collection method: clinical testing. Allele origin: germline.
Comment: The p.Lys1252X variant in OTOG has not been previously reported in individuals with nonsyndromic hearing loss and was absent from large population studies. This nonsense variant leads to a premature termination codon at position 1252, which is predicted to lead to a truncated or absent protein. Loss of function of the OTOG gene is an established disease mechanism in autosomal recessive nonsyndromic hearing loss. In summary, although additional studies are required to fully establish its clinical significance, this variant meets criteria to be classified as likely pathogenic for autosomal recessive nonsyndromic hearing loss. ACMG/AMP criteria applied: PVS1, PM2_Supporting.

NM_001292063.2(OTOG):c.3718A>T (p.Lys1240Ter)

Gene: OTOG (otogelin; plus strand). Cytogenetic location: 11p15.1.
Variant type: single nucleotide variant.
Coding change: c.3718A>T on transcript NM_001292063.2 (MANE Select); coding-DNA position 3718, A replaced by T.
Protein change: p.Lys1240Ter; replaces lysine 1240 with a stop codon.
Molecular consequence: nonsense.
Genome position (GRCh38, 1-based): chr11:17,602,218, A>T. VCF-style: chr11-17602218-A-T. GRCh37 (hg19) VCF-style: chr11-17623765-A-T.
Other names: c.3754A>T, p.Lys1252Ter (NM_001277269.2); short protein forms K1240*, K1252*.
Identifiers: ClinVar variation 3075848 (VCV003075848.1), dbSNP rs2497504527, ClinGen allele CA379789540.